The following is an entry in ClinVar:

ClinVar aggregate classification (germline): Likely benign. Review status: criteria provided, multiple submitters, no conflicts (2 of 4 stars). 4 submissions from 4 submitters: Likely benign (4). Last evaluated 2026-07-01.

Submissions (4):

CeGaT Center for Human Genetics Tuebingen
Classification: Likely benign. Last evaluated: 2026-07-01. Review status: criteria provided, single submitter. Criteria: CeGaT Center For Human Genetics Tuebingen Variant Classification Criteria Version 2. Collection method: clinical testing. Allele origin: germline. Affected: yes. Observed: 4 variant alleles.
Comment: PKD1: BP4

Women's Health and Genetics/Laboratory Corporation of America, LabCorp
Classification: Likely benign. Last evaluated: 2025-07-21. Review status: criteria provided, single submitter. Criteria: LabCorp Variant Classification Summary - May 2015. Collection method: clinical testing. Allele origin: germline.
Comment: Variant summary: PKD1 c.11017-10dupC alters a nucleotide located at a position not widely known to affect splicing. Consensus agreement among computation tools predict no significant impact on normal splicing. However, these predictions have yet to be confirmed by functional studies. The variant allele was found at a frequency of 0.00042 in 247804 control chromosomes, predominantly at a frequency of 0.0017 within the South Asian subpopulation in the gnomAD database. To our knowledge, no occurrence of c.11017-10dupC in individuals affected with PKD1-Biallelic Autosomal Recessive Polycystic Kidney Disease and no experimental evidence demonstrating its impact on protein function have been reported. ClinVar contains an entry for this variant (Variation ID: 1187532). Based on the evidence outlined above, the variant was classified as likely benign.

Blueprint Genetics
Classification: Likely benign. Last evaluated: 2024-09-03. Review status: criteria provided, single submitter. Criteria: ACMG Guidelines, 2015. Collection method: clinical testing. Allele origin: germline.

GeneDx
Classification: Likely benign. Last evaluated: 2023-11-09. Review status: criteria provided, single submitter. Criteria: GeneDx Variant Classification Process June 2021. Collection method: clinical testing. Allele origin: germline. Affected: yes.
Comment: See Variant Classification Assertion Criteria.

NM_001009944.3(PKD1):c.11017-16dup

Genes: PKD1-AS1 (PKD1 antisense RNA 1; plus strand), PKD1 (polycystin 1, transient receptor potential channel interacting; minus strand). Cytogenetic location: 16p13.3.
Variant type: Duplication.
Coding change: c.11017-16dup on transcript NM_001009944.3 (MANE Select); 16 bases into the intron before coding-DNA position 11017, one base duplicated (C; older notation c.11017-16dupC).
Molecular consequence: intron variant.
Genome position (GRCh38, 1-based): chr16:2,093,103, G duplicated on the plus strand (C on the coding strand, the reverse complement: PKD1 is on the minus strand); the first of 7 consecutive G bases (chr16:2,093,103-2,093,109); duplicating any one gives the same sequence. VCF-style (leftmost placement, unchanged base first): chr16-2093102-C-CG. GRCh37 (hg19) VCF-style: chr16-2143103-C-CG.
Other names: c.11014-16dup (NM_000296.4); c.11017-10dupC (NM_001009944.3).
Identifiers: ClinVar variation 1187532 (VCV001187532.19), dbSNP rs543923323, ClinGen allele CA7829330.